The following is an entry in ClinVar:

ClinVar aggregate classification (germline): Benign (0 of 4 stars; one submission).

Conditions:
EPPK1-related disorder. Also called: EPPK1-related condition.

Allele frequency attached by ClinVar (database versions not stated): 1000 Genomes Project 0.68530; 1000 Genomes Project 30x 0.69488; TOPMed 0.74088; gnomAD 0.74337; ExAC 0.75114; gnomAD exomes 0.75181; ESP Exome Variant Server 0.77016.
gnomAD v4.1: 1,184,018 of 1,577,538 alleles (75%); highest among the groups gnomAD compares: South Asian, 79%; 447,830 homozygotes.

Submission:

PreventionGenetics, part of Exact Sciences
Classification: Benign for EPPK1-related condition. Last evaluated: 2021-04-12. Review status: no assertion criteria provided. Collection method: clinical testing. Allele origin: germline.
Comment: This variant is classified as benign based on ACMG/AMP sequence variant interpretation guidelines (Richards et al. 2015 PMID: 25741868, with internal and published modifications).

NM_031308.4(EPPK1):c.4519A>G (p.Thr1507Ala)

Gene: EPPK1 (epiplakin 1; minus strand). Cytogenetic location: 8q24.3.
Variant type: single nucleotide variant.
Coding change: c.4519A>G on transcript NM_031308.4 (MANE Select); coding-DNA position 4519, A replaced by G.
Protein change: p.Thr1507Ala; replaces threonine 1507 with alanine.
Molecular consequence: missense variant.
Genome position (GRCh38, 1-based): chr8:143,868,735, T>C on the plus strand (A>G on the coding strand, the complement: EPPK1 is on the minus strand). VCF-style: chr8-143868735-T-C. GRCh37 (hg19) VCF-style: chr8-144942903-T-C.
Other names: short protein forms T1507A.
Identifiers: ClinVar variation 3034926 (VCV003034926.2), dbSNP rs6558399, ClinGen allele CA4922463.